The following is an entry in ClinVar:

ClinVar aggregate classification (germline): Uncertain significance (1 of 4 stars; one submission).

gnomAD v4.1: 1 of 1,597,654 alleles (0.000063%); highest among the groups gnomAD compares: Non-Finnish European, 0.000085%; no homozygotes.

Submission:

Labcorp Genetics (formerly Invitae), Labcorp
Classification: Uncertain significance. Last evaluated: 2023-05-09. Review status: criteria provided, single submitter. Criteria: Invitae Variant Classification Sherloc (09022015). Collection method: clinical testing. Allele origin: germline.
Comment: This sequence change replaces threonine, which is neutral and polar, with lysine, which is basic and polar, at codon 253 of the IFT57 protein (p.Thr253Lys). This variant is not present in population databases (gnomAD no frequency). This variant has not been reported in the literature in individuals affected with IFT57-related conditions. An algorithm developed to predict the effect of missense changes on protein structure and function (PolyPhen-2) suggests that this variant is likely to be disruptive. In summary, the available evidence is currently insufficient to determine the role of this variant in disease. Therefore, it has been classified as a Variant of Uncertain Significance.

NM_018010.4(IFT57):c.758C>A (p.Thr253Lys)

Gene: IFT57 (intraflagellar transport 57; minus strand). Cytogenetic location: 3q13.12.
Variant type: single nucleotide variant.
Coding change: c.758C>A on transcript NM_018010.4 (MANE Select); coding-DNA position 758, C replaced by A.
Protein change: p.Thr253Lys; replaces threonine 253 with lysine.
Molecular consequence: missense variant.
Genome position (GRCh38, 1-based): chr3:108,191,540, G>T on the plus strand (C>A on the coding strand, the complement: IFT57 is on the minus strand). VCF-style: chr3-108191540-G-T. GRCh37 (hg19) VCF-style: chr3-107910387-G-T.
Other names: short protein forms T253K.
Identifiers: ClinVar variation 2873983 (VCV002873983.3), dbSNP rs774931041, ClinGen allele CA353906335.